The following is an entry in ClinVar:

ClinVar aggregate classification (germline): Uncertain significance. Review status: criteria provided, multiple submitters, no conflicts (2 of 4 stars). 4 submissions from 4 submitters: Uncertain significance (3). 1 of the submissions does not count toward it. Last evaluated 2025-11-27.

Conditions:
PLEC-related disorder. Also called: PLEC-related disorders; PLEC-related condition.
Autosomal recessive limb-girdle muscular dystrophy type 2Q (LGMDR17). Also called: MUSCULAR DYSTROPHY, LIMB-GIRDLE, AUTOSOMAL RECESSIVE 17. Identifiers: Orphanet 254361, MedGen C3150989, MONDO:0013390, OMIM 613723.
Epidermolysis bullosa simplex with nail dystrophy (EBS5D). Identifiers: MedGen C4225309, MONDO:0014661, OMIM 616487.
Epidermolysis bullosa simplex 5C, with pyloric atresia (EBS5C). Also called: PLEC-Related Epidermolysis Bullosa with Pyloric Atresia; PLEC1-Related Epidermolysis Bullosa with Pyloric Atresia; Epidermolysis bullosa simplex with pyloric atresia. Identifiers: Orphanet 158684, MedGen C2677349, MONDO:0012807, OMIM 612138.
Epidermolysis bullosa simplex, Ogna type (EBS5A). Also called: Pidermolysis bullosa simplex 5A, Ogna type; EPIDERMOLYSIS BULLOSA SIMPLEX 5A, OGNA TYPE. Identifiers: Orphanet 79401, MedGen C0432317, MONDO:0007555, OMIM 131950.
Epidermolysis bullosa simplex 5B, with muscular dystrophy (EBS5B). Also called: EPIDERMOLYSIS BULLOSA SIMPLEX AND LIMB-GIRDLE MUSCULAR DYSTROPHY; Epidermolysis bullosa simplex with muscular dystrophy. Identifiers: Orphanet 257, MedGen C2931072, MONDO:0009181, OMIM 226670.
Inborn genetic diseases. Identifiers: MedGen C0950123, MeSH D030342.

Allele frequency attached by ClinVar (database versions not stated): gnomAD 0.00002 and 0.00003; gnomAD exomes 0.00002; TOPMed 0.00005.
gnomAD v4.1: 38 of 1,606,582 alleles (0.0024%); highest among the groups gnomAD compares: Admixed American, 0.0083%; no homozygotes.

Submissions (4):

Labcorp Genetics (formerly Invitae), Labcorp
Classification: Uncertain significance for Autosomal recessive limb-girdle muscular dystrophy type 2Q; Epidermolysis bullosa simplex, Ogna type; Epidermolysis bullosa simplex with nail dystrophy; Epidermolysis bullosa simplex 5C, with pyloric atresia; Epidermolysis bullosa simplex 5B, with muscular dystrophy. Last evaluated: 2025-11-27. Review status: criteria provided, single submitter. Criteria: Invitae Variant Classification Sherloc (09022015). Collection method: clinical testing. Allele origin: germline.
Comment: This sequence change replaces arginine, which is basic and polar, with histidine, which is basic and polar, at codon 4273 of the PLEC protein (p.Arg4273His). This variant is present in population databases (rs797044720, gnomAD 0.006%). This variant has not been reported in the literature in individuals affected with PLEC-related conditions. ClinVar contains an entry for this variant (Variation ID: 196831). Invitae Evidence Modeling of protein sequence and biophysical properties (such as structural, functional, and spatial information, amino acid conservation, physicochemical variation, residue mobility, and thermodynamic stability) indicates that this missense variant is expected to disrupt PLEC protein function with a positive predictive value of 80%. In summary, the available evidence is currently insufficient to determine the role of this variant in disease. Therefore, it has been classified as a Variant of Uncertain Significance.

Ambry Genetics
Classification: Uncertain significance for Inborn genetic diseases. Last evaluated: 2025-04-20. Review status: criteria provided, single submitter. Criteria: Ambry Variant Classification Scheme 2023. Collection method: clinical testing. Allele origin: germline.

Eurofins Ntd Llc (ga)
Classification: Uncertain significance. Last evaluated: 2016-09-18. Review status: criteria provided, single submitter. Criteria: EGL Classification Definitions 2015. Collection method: clinical testing. Allele origin: germline. Observed: 2 variant alleles, 2 heterozygotes.

PreventionGenetics, part of Exact Sciences
Classification: Uncertain significance for PLEC-related condition. Last evaluated: 2024-08-12. Review status: no assertion criteria provided. Collection method: clinical testing. Allele origin: germline. Not counted in ClinVar's aggregate classification.
Comment: The PLEC c.12818G>A variant is predicted to result in the amino acid substitution p.Arg4273His. To our knowledge, this variant has not been reported in the literature. This variant is reported in 0.0058% of alleles in individuals of Latino descent in gnomAD. At this time, the clinical significance of this variant is uncertain due to the absence of conclusive functional and genetic evidence.

NM_201384.3(PLEC):c.12737G>A (p.Arg4246His)

Gene: PLEC (plectin; minus strand). Cytogenetic location: 8q24.3.
Variant type: single nucleotide variant.
Coding change: c.12737G>A on transcript NM_201384.3 (MANE Select); coding-DNA position 12737, G replaced by A.
Protein change: p.Arg4246His; replaces arginine 4246 with histidine.
Molecular consequence: missense variant.
Genome position (GRCh38, 1-based): chr8:143,917,084, C>T on the plus strand (G>A on the coding strand, the complement: PLEC is on the minus strand). VCF-style: chr8-143917084-C-T. GRCh37 (hg19) VCF-style: chr8-144991252-C-T.
Other names: c.12818G>A, p.Arg4273His (NM_000445.5); c.12695G>A, p.Arg4232His (NM_201378.4); c.12671G>A, p.Arg4224His (NM_201379.3); c.13148G>A, p.Arg4383His (NM_201380.4); c.12641G>A, p.Arg4214His (NM_201381.3); c.12737G>A, p.Arg4246His (NM_201382.4); c.12749G>A, p.Arg4250His (NM_201383.3); c.12818G>A (NM_000445.4, NM_000445.3); short protein forms R4214H, R4224H, R4232H, R4246H, R4250H, R4273H, R4383H.
Identifiers: ClinVar variation 196831 (VCV000196831.15), dbSNP rs797044720, ClinGen allele CA244379.
Genomic context (GRCh38, chr8:143,917,084, plus strand): 5'-TGGGTCCTGGAGACGGCGGGGCTGATGGGGTAGGAGGAGGAGGATCCCACCGAGGAGGAA[C>T]GGGAGCGGAAACCACCGGCGTTGCCCGAGAGCATGTCGGCGAACTCGGTGATGGAGAGCG-3'
Protein context (NP_958786.1, residues 4236-4256): LSGNAGGFRS[Arg4246His]SSSVGSSSSY